The following is an entry in ClinVar:

ClinVar aggregate classification (germline): Uncertain significance (0 of 4 stars; one submission).

Conditions:
AUTS2-related disorder. Also called: AUTS2-related condition.

Allele frequency attached by ClinVar (database versions not stated): gnomAD 0.00001; TOPMed 0.00001.
gnomAD v4.1: 14 of 1,609,310 alleles (0.00087%); highest among the groups gnomAD compares: Admixed American, 0.0017%; no homozygotes.

Submission:

PreventionGenetics, part of Exact Sciences
Classification: Uncertain significance for AUTS2-related condition. Last evaluated: 2023-12-14. Review status: no assertion criteria provided. Collection method: clinical testing. Allele origin: germline.
Comment: The AUTS2 c.2767G>A variant is predicted to result in the amino acid substitution p.Gly923Ser. To our knowledge, this variant has not been reported in the literature. This variant is reported in 0.0030% of alleles in individuals of Latino descent in gnomAD. At this time, the clinical significance of this variant is uncertain due to the absence of conclusive functional and genetic evidence.

NM_015570.4(AUTS2):c.2767G>A (p.Gly923Ser)

Gene: AUTS2 (activator of transcription and developmental regulator AUTS2; plus strand). Cytogenetic location: 7q11.22.
Variant type: single nucleotide variant.
Coding change: c.2767G>A on transcript NM_015570.4 (MANE Select); coding-DNA position 2767, G replaced by A.
Protein change: p.Gly923Ser; replaces glycine 923 with serine.
Molecular consequence: missense variant.
Genome position (GRCh38, 1-based): chr7:70,789,983, G>A. VCF-style: chr7-70789983-G-A. GRCh37 (hg19) VCF-style: chr7-70254969-G-A.
Other names: c.2695G>A, p.Gly899Ser (NM_001127231.3); short protein forms G899S, G923S.
Identifiers: ClinVar variation 3050494 (VCV003050494.2), dbSNP rs1449975429, ClinGen allele CA367664794.
Genomic context (GRCh38, chr7:70,789,983, plus strand): 5'-GACCTGGCCGCCGACGAGCACAAGGCGAAAGAGGGCCACCTGCCCGAGAAGGACGGGCAC[G>A]GCCACGAGGGGCGCGCCGCGGGCGAAGAGGCCAAGCAGCTGGCCCGGGTGCCGTCTCCCT-3'
Protein context (NP_056385.1, residues 913-933): EGHLPEKDGH[Gly923Ser]HEGRAAGEEA